The following is an entry in ClinVar:

ClinVar aggregate classification (germline): Conflicting classifications of pathogenicity. Review status: criteria provided, conflicting classifications (1 of 4 stars). 2 submissions from 2 submitters: Likely pathogenic (1); Uncertain significance (1). Last evaluated 2018-01-14.

Conditions:
RYR1-related disorder. Also called: RYR1-related disorders; RYR1-related condition. Identifiers: MedGen CN239331.

Submissions (2):

Labcorp Genetics (formerly Invitae), Labcorp
Classification: Uncertain significance for RYR1-related disorder. Last evaluated: 2018-01-14. Review status: criteria provided, single submitter. Criteria: Invitae Variant Classification Sherloc (09022015). Collection method: clinical testing. Allele origin: germline.
Comment: In summary, the available evidence is currently insufficient to determine the role of this variant in disease. Therefore, it has been classified as a Variant of Uncertain Significance. This missense change is located in a region of the RYR1 protein where a significant number of previously reported RYR1 missense mutations are found (PMID: 106084090). These observations suggest that a previously unreported missense substitution within this region may affect protein function, but experiments have not been done to test this possibility. Algorithms developed to predict the effect of missense changes on protein structure and function do not agree on the potential impact of this missense change (SIFT: "Deleterious"; PolyPhen-2: "Benign"; Align-GVGD: "Class C0"). This variant has not been reported in the literature in individuals with RYR1-related disease. This variant is not present in population databases (ExAC no frequency). This sequence change replaces glutamine with arginine at codon 4934 of the RYR1 protein (p.Gln4934Arg). The glutamine residue is highly conserved and there is a small physicochemical difference between glutamine and arginine.

PreventionGenetics, part of Exact Sciences
Classification: Likely pathogenic. Last evaluated: 2017-06-06. Review status: criteria provided, single submitter. Criteria: ACMG Guidelines, 2015. Collection method: clinical testing. Allele origin: germline.

Literature cited by the submitters: PubMed 106084090 (cited by Labcorp Genetics (formerly Invitae), Labcorp).

NM_000540.3(RYR1):c.14801A>G (p.Gln4934Arg)

Gene: RYR1 (ryanodine receptor 1; plus strand). Cytogenetic location: 19q13.2.
Variant type: single nucleotide variant.
Coding change: c.14801A>G on transcript NM_000540.3 (MANE Select); coding-DNA position 14801, A replaced by G.
Protein change: p.Gln4934Arg; replaces glutamine 4934 with arginine.
Molecular consequence: missense variant.
Genome position (GRCh38, 1-based): chr19:38,585,097, A>G. VCF-style: chr19-38585097-A-G. GRCh37 (hg19) VCF-style: chr19-39075737-A-G.
Other names: c.14786A>G, p.Gln4929Arg (NM_001042723.2); short protein forms Q4934R, Q4929R.
Identifiers: ClinVar variation 574782 (VCV000574782.7), dbSNP rs1568611775, ClinGen allele CA405691198.